The following is an entry in ClinVar:

NM_000313.4(PROS1):c.1936G>T (p.Gly646Cys)

Gene: PROS1 (protein S; minus strand). Cytogenetic location: 3q11.1.
Variant type: single nucleotide variant.
Coding change: c.1936G>T on transcript NM_000313.4 (MANE Select); coding-DNA position 1936, G replaced by T.
Protein change: p.Gly646Cys; replaces glycine 646 with cysteine.
Molecular consequence: missense variant.
Genome position (GRCh38, 1-based): chr3:93,874,340, C>A on the plus strand (G>T on the coding strand, the complement: PROS1 is on the minus strand). VCF-style: chr3-93874340-C-A. GRCh37 (hg19) VCF-style: chr3-93593184-C-A.
Other names: c.2032G>T, p.Gly678Cys (NM_001314077.2); short protein forms G678C, G646C.
Identifiers: ClinVar variation 1371590 (VCV001371590.6), dbSNP rs776022988, ClinGen allele CA353669785.

ClinVar aggregate classification (germline): Uncertain significance (1 of 4 stars; one submission).

Conditions:
Thrombophilia due to protein S deficiency, autosomal recessive (THPH6). Identifiers: Orphanet 743, MedGen C3281092, MONDO:0013791, OMIM 614514. Disease mechanism: loss of function.

Submission:

Labcorp Genetics (formerly Invitae), Labcorp
Classification: Uncertain significance for Thrombophilia due to protein S deficiency, autosomal recessive. Last evaluated: 2021-08-02. Review status: criteria provided, single submitter. Criteria: Invitae Variant Classification Sherloc (09022015). Collection method: clinical testing. Allele origin: germline.
Comment: This variant is not present in population databases (ExAC no frequency). This variant has not been reported in the literature in individuals affected with PROS1-related conditions. Algorithms developed to predict the effect of missense changes on protein structure and function are either unavailable or do not agree on the potential impact of this missense change (SIFT: "Deleterious"; PolyPhen-2: "Probably Damaging"; Align-GVGD: "Class C15"). In summary, the available evidence is currently insufficient to determine the role of this variant in disease. Therefore, it has been classified as a Variant of Uncertain Significance. This sequence change replaces glycine with cysteine at codon 646 of the PROS1 protein (p.Gly646Cys). The glycine residue is highly conserved and there is a large physicochemical difference between glycine and cysteine.